The following is an entry in ClinVar:

ClinVar aggregate classification (germline): Likely benign. Review status: criteria provided, multiple submitters, no conflicts (2 of 4 stars). 2 submissions from 2 submitters: Likely benign (2). Last evaluated 2019-08-30.

Submissions (2):

GeneDx
Classification: Likely benign. Last evaluated: 2019-08-30. Review status: criteria provided, single submitter. Criteria: GeneDx Variant Classification Process June 2021. Collection method: clinical testing. Allele origin: germline. Affected: yes.

Laboratory for Molecular Medicine, Mass General Brigham Personalized Medicine
Classification: Likely benign. Last evaluated: 2011-09-16. Review status: criteria provided, single submitter. Criteria: LMM Criteria. Collection method: clinical testing. Allele origin: germline. Observed: 6 variant alleles.
Comment: 14091-11delT in intron 97 of RYR2: This variant is not expected to have clinical significance because it is located outside the conserved +/- 1, 2 region of the splicing consensus sequence and as part of a polyT stretch. This variant has b een reported in dbSNP (rs72027983 & rs55683196) without frequency information.

NM_001035.3(RYR2):c.14091-11del

Gene: RYR2 (ryanodine receptor 2; plus strand). Cytogenetic location: 1q43.
Variant type: Deletion.
Coding change: c.14091-11del on transcript NM_001035.3 (MANE Select); 11 bases into the intron before coding-DNA position 14091, one base deleted (T; older notation c.14091-11delT).
Molecular consequence: intron variant.
Genome position (GRCh38, 1-based): chr1:237,801,845, T deleted; the last of 12 consecutive T bases (chr1:237,801,834-237,801,845); deleting any one gives the same sequence. VCF-style (leftmost placement, unchanged base first): chr1-237801833-AT-A. GRCh37 (hg19) VCF-style: chr1-237965133-AT-A.
Other names: c.14091-11del (LRG_402t1).
Identifiers: ClinVar variation 43737 (VCV000043737.9), dbSNP rs35563566, ClinGen allele CA008144.